The following is an entry in ClinVar:

NM_015015.3(KDM4B):c.2788C>A (p.Arg930Ser)

Gene: KDM4B (lysine demethylase 4B; plus strand). Cytogenetic location: 19p13.3.
Variant type: single nucleotide variant.
Coding change: c.2788C>A on transcript NM_015015.3 (MANE Select); coding-DNA position 2788, C replaced by A.
Protein change: p.Arg930Ser; replaces arginine 930 with serine.
Molecular consequence: missense variant.
Genome position (GRCh38, 1-based): chr19:5,144,299, C>A. VCF-style: chr19-5144299-C-A. GRCh37 (hg19) VCF-style: chr19-5144310-C-A.
Other names: c.2890C>A, p.Arg964Ser (NM_001411148.1); short protein forms R930S, R964S.
Identifiers: ClinVar variation 2164578 (VCV002164578.4), dbSNP rs1481864897, ClinGen allele CA403507518.

ClinVar aggregate classification (germline): Uncertain significance (1 of 4 stars; one submission).

Submission:

Labcorp Genetics (formerly Invitae), Labcorp
Classification: Uncertain significance. Last evaluated: 2022-06-28. Review status: criteria provided, single submitter. Criteria: Invitae Variant Classification Sherloc (09022015). Collection method: clinical testing. Allele origin: germline.
Comment: In summary, the available evidence is currently insufficient to determine the role of this variant in disease. Therefore, it has been classified as a Variant of Uncertain Significance. Algorithms developed to predict the effect of missense changes on protein structure and function are either unavailable or do not agree on the potential impact of this missense change (SIFT: "Tolerated"; PolyPhen-2: "Possibly Damaging"; Align-GVGD: "Class C0"). This variant has not been reported in the literature in individuals affected with KDM4B-related conditions. This variant is not present in population databases (gnomAD no frequency). This sequence change replaces arginine, which is basic and polar, with serine, which is neutral and polar, at codon 930 of the KDM4B protein (p.Arg930Ser).